The following is an entry in ClinVar:

ClinVar aggregate classification (germline): Uncertain significance. Review status: criteria provided, multiple submitters, no conflicts (2 of 4 stars). 2 submissions from 2 submitters: Uncertain significance (2). Last evaluated 2022-09-20.

Conditions:
Brachyolmia-amelogenesis imperfecta syndrome. Also called: PLATYSPONDYLY WITH AMELOGENESIS IMPERFECTA; Tooth agenesis, selective, 6; Dental anomalies and short stature. Identifiers: Orphanet 2899, MedGen C1832594, MONDO:0011018, OMIM 601216. Disease mechanism: loss of function.
Inborn genetic diseases. Identifiers: MedGen C0950123, MeSH D030342.

Allele frequency attached by ClinVar (database versions not stated): gnomAD exomes 0.00001; TOPMed 0.00002; gnomAD 0.00003.
gnomAD v4.1: 19 of 1,553,804 alleles (0.0012%); highest among the groups gnomAD compares: African/African-American, 0.0027%; no homozygotes.

Submissions (2):

Labcorp Genetics (formerly Invitae), Labcorp
Classification: Uncertain significance for Brachyolmia-amelogenesis imperfecta syndrome. Last evaluated: 2022-09-20. Review status: criteria provided, single submitter. Criteria: Invitae Variant Classification Sherloc (09022015). Collection method: clinical testing. Allele origin: germline.
Comment: This sequence change replaces arginine, which is basic and polar, with glycine, which is neutral and non-polar, at codon 562 of the LTBP3 protein (p.Arg562Gly). The frequency data for this variant in the population databases is considered unreliable, as metrics indicate poor data quality at this position in the gnomAD database. This variant has not been reported in the literature in individuals affected with LTBP3-related conditions. Algorithms developed to predict the effect of missense changes on protein structure and function are either unavailable or do not agree on the potential impact of this missense change (SIFT: "Deleterious"; PolyPhen-2: "Probably Damaging"; Align-GVGD: "Class C0"). In summary, the available evidence is currently insufficient to determine the role of this variant in disease. Therefore, it has been classified as a Variant of Uncertain Significance.

Ambry Genetics
Classification: Uncertain significance for Inborn genetic diseases. Last evaluated: 2022-07-17. Review status: criteria provided, single submitter. Criteria: Ambry Variant Classification Scheme 2023. Collection method: clinical testing. Allele origin: germline.
Comment: The p.R562G variant (also known as c.1684C>G), located in coding exon 11 of the LTBP3 gene, results from a C to G substitution at nucleotide position 1684. The arginine at codon 562 is replaced by glycine, an amino acid with dissimilar properties. This amino acid position is conserved. In addition, the in silico prediction for this alteration is inconclusive. Since supporting evidence is limited at this time, the clinical significance of this alteration remains unclear.

NM_001130144.3(LTBP3):c.1684C>G (p.Arg562Gly)

Gene: LTBP3 (latent transforming growth factor beta binding protein 3; minus strand). Cytogenetic location: 11q13.1.
Variant type: single nucleotide variant.
Coding change: c.1684C>G on transcript NM_001130144.3 (MANE Select); coding-DNA position 1684, C replaced by G.
Protein change: p.Arg562Gly; replaces arginine 562 with glycine.
Molecular consequence: missense variant.
Genome position (GRCh38, 1-based): chr11:65,551,162, G>C on the plus strand (C>G on the coding strand, the complement: LTBP3 is on the minus strand). VCF-style: chr11-65551162-G-C. GRCh37 (hg19) VCF-style: chr11-65318633-G-C.
Other names: c.1333C>G, p.Arg445Gly (NM_001164266.1); c.1684C>G, p.Arg562Gly (NM_021070.4); short protein forms R445G, R562G.
Identifiers: ClinVar variation 1777969 (VCV001777969.7), dbSNP rs1166487438, ClinGen allele CA381272688.